The following is an entry in ClinVar:

NM_000742.4(CHRNA2):c.22T>A (p.Phe8Ile)

Gene: CHRNA2 (cholinergic receptor nicotinic alpha 2 subunit; minus strand). Cytogenetic location: 8p21.2.
Variant type: single nucleotide variant.
Coding change: c.22T>A on transcript NM_000742.4 (MANE Select); coding-DNA position 22, T replaced by A.
Protein change: p.Phe8Ile; replaces phenylalanine 8 with isoleucine.
Molecular consequence: missense variant. On other transcripts: 5 prime UTR variant (4).
Genome position (GRCh38, 1-based): chr8:27,471,037, A>T on the plus strand (T>A on the coding strand, the complement: CHRNA2 is on the minus strand). VCF-style: chr8-27471037-A-T. GRCh37 (hg19) VCF-style: chr8-27328554-A-T.
Other names: c.22T>A, p.Phe8Ile (NM_001282455.2); c.-406T>A (NM_001347705.2); c.-451T>A (NM_001347706.2); c.-392T>A (NM_001347707.2); c.-440T>A (NM_001347708.2); short protein forms F8I.
Identifiers: ClinVar variation 836211 (VCV000836211.6), dbSNP rs1812864886, ClinGen allele CA370813863.

ClinVar aggregate classification (germline): Uncertain significance (1 of 4 stars; one submission).

Conditions:
Familial sleep-related hypermotor epilepsy. Also called: Autosomal Dominant Sleep-Related Hypermotor (Hyperkinetic) Epilepsy. Identifiers: Orphanet 98784, MedGen C3696898, MONDO:0000030.

Submission:

Labcorp Genetics (formerly Invitae), Labcorp
Classification: Uncertain significance. Last evaluated: 2019-02-02. Review status: criteria provided, single submitter. Criteria: Invitae Variant Classification Sherloc (09022015). Collection method: clinical testing. Allele origin: germline.
Comment: Algorithms developed to predict the effect of missense changes on protein structure and function output the following: SIFT: "Tolerated"; PolyPhen-2: "Benign"; Align-GVGD: "Class C0". The isoleucine amino acid residue is found in multiple mammalian species, suggesting that this missense change does not adversely affect protein function. These predictions have not been confirmed by published functional studies and their clinical significance is uncertain. In summary, the available evidence is currently insufficient to determine the role of this variant in disease. Therefore, it has been classified as a Variant of Uncertain Significance. This variant has not been reported in the literature in individuals with CHRNA2-related conditions. This variant is not present in population databases (ExAC no frequency). This sequence change replaces phenylalanine with isoleucine at codon 8 of the CHRNA2 protein (p.Phe8Ile). The phenylalanine residue is weakly conserved and there is a small physicochemical difference between phenylalanine and isoleucine.